The following is an entry in ClinVar:

NM_014363.6(SACS):c.5344_5345insA (p.Phe1782fs)

Gene: SACS (sacsin molecular chaperone; minus strand). Cytogenetic location: 13q12.12.
Variant type: Insertion.
Coding change: c.5344_5345insA on transcript NM_014363.6 (MANE Select); coding-DNA positions 5344 to 5345, A inserted.
Protein change: p.Phe1782fs; shifts the reading frame from phenylalanine 1782.
Molecular consequence: frameshift variant.
Genome position: GRCh38 VCF-style: chr13-23338531-A-AT. GRCh37 (hg19) VCF-style: chr13-23912670-A-AT.
Other names: c.4903_4904insA, p.Phe1635fs (NM_001278055.2); c.5371_5372insA, p.Phe1791fs (NM_001437336.1); short protein forms F1635fs, F1782fs, F1791fs.
Identifiers: ClinVar variation 4880209 (VCV004880209.1).

ClinVar aggregate classification (germline): Likely pathogenic (1 of 4 stars; one submission).

Conditions:
Charlevoix-Saguenay spastic ataxia (SACS). Also called: AUTOSOMAL RECESSIVE SPASTIC ATAXIA OF CHARLEVOIX-SAGUENAY; Spastic ataxia of Charlevoix-Saguenay; SPASTIC ATAXIA 6, AUTOSOMAL RECESSIVE. Identifiers: Orphanet 98, MedGen C1849140, MONDO:0010041, OMIM 270550.

Submission:

Wales Gene Park, Division Of Cancer and Genetics, Cardiff University
Classification: Likely pathogenic for Charlevoix-Saguenay spastic ataxia. Last evaluated: 2026-04-28. Review status: criteria provided, single submitter. Criteria: ACGS Best Practice Guidelines for Variant Classification in Rare Disease 2024. Collection method: research. Allele origin: inherited. Inheritance: Autosomal recessive inheritance. Affected: yes. Study: 100,000 Genomes Project (Wales).
Comment: Inherited SACS frameshift variant detected by trio genome sequencing. Low frequency in gnomAD (v4.1.1). Evidence codes: PVS1_strong, PM2, PM3.